The following is an entry in ClinVar:

NM_014028.4(OSTM1):c.517+1G>T

Gene: OSTM1 (osteoclastogenesis associated transmembrane protein 1; minus strand). Cytogenetic location: 6q21.
Variant type: single nucleotide variant.
Coding change: c.517+1G>T on transcript NM_014028.4 (MANE Select); the canonical splice donor site of the intron after coding-DNA position 517, G replaced by T.
Molecular consequence: splice donor variant.
Genome position (GRCh38, 1-based): chr6:108,064,184, C>A on the plus strand (G>T on the coding strand, the complement: OSTM1 is on the minus strand). VCF-style: chr6-108064184-C-A. GRCh37 (hg19) VCF-style: chr6-108385388-C-A.
Identifiers: ClinVar variation 3605425 (VCV003605425.2).

ClinVar aggregate classification (germline): Likely pathogenic (1 of 4 stars; one submission).

Submission:

Labcorp Genetics (formerly Invitae), Labcorp
Classification: Likely pathogenic. Last evaluated: 2024-02-07. Review status: criteria provided, single submitter. Criteria: Invitae Variant Classification Sherloc (09022015). Collection method: clinical testing. Allele origin: germline.
Comment: This sequence change affects a donor splice site in intron 2 of the OSTM1 gene. It is expected to disrupt RNA splicing. Variants that disrupt the donor or acceptor splice site typically lead to a loss of protein function (PMID: 16199547), and loss-of-function variants in OSTM1 are known to be pathogenic (PMID: 12627228, 15108279, 16813530). This variant is not present in population databases (gnomAD no frequency). This variant has not been reported in the literature in individuals affected with OSTM1-related conditions. Algorithms developed to predict the effect of sequence changes on RNA splicing suggest that this variant may disrupt the consensus splice site. In summary, the currently available evidence indicates that the variant is pathogenic, but additional data are needed to prove that conclusively. Therefore, this variant has been classified as Likely Pathogenic.

Literature cited by the submitters: PubMed 16199547; PubMed 12627228; PubMed 15108279; PubMed 16813530.